The following is an entry in ClinVar:

NM_000875.5(IGF1R):c.*4521G>A

Gene: IGF1R (insulin like growth factor 1 receptor; plus strand). Cytogenetic location: 15q26.3.
Variant type: single nucleotide variant.
Coding change: c.*4521G>A on transcript NM_000875.5 (MANE Select); 4521 bases downstream of the stop codon, G replaced by A.
Molecular consequence: 3 prime UTR variant.
Genome position (GRCh38, 1-based): chr15:98,961,963, G>A. VCF-style: chr15-98961963-G-A. GRCh37 (hg19) VCF-style: chr15-99505192-G-A.
Other names: c.*4521G>A (NM_001291858.2).
Identifiers: ClinVar variation 317584 (VCV000317584.5), dbSNP rs560705462, ClinGen allele CA10642764.

ClinVar aggregate classification (germline): Likely benign (1 of 4 stars; one submission).

Conditions:
Growth delay due to insulin-like growth factor I resistance. Also called: Somatomedin end-organ insensitivity to; Somatomedin-c resistance to; IGF-1 resistance; IGF-I RESISTANCE; Insulin-Like Growth Factor I Resistance. Identifiers: Orphanet 73273, MedGen C1849157, MONDO:0010038, OMIM 270450.

Allele frequency attached by ClinVar (database versions not stated): TOPMed 0.00034; 1000 Genomes Project 0.00060; 1000 Genomes Project 30x 0.00078.
gnomAD v4.1: 27 of 233,308 alleles (0.012%); highest among the groups gnomAD compares: East Asian, 0.096%; no homozygotes.

Submission:

Illumina Laboratory Services, Illumina
Classification: Likely benign for Growth delay due to insulin-like growth factor I resistance. Last evaluated: 2018-01-12. Review status: criteria provided, single submitter. Criteria: ICSL Variant Classification Criteria 13 December 2019. Collection method: clinical testing. Allele origin: germline.
Comment: This variant was observed in the ICSL laboratory as part of a predisposition screen in an ostensibly healthy population. It had not been previously curated by ICSL or reported in the Human Gene Mutation Database (HGMD: prior to June 1st, 2018), and was therefore a candidate for classification through an automated scoring system. Utilizing variant allele frequency, disease prevalence and penetrance estimates, and inheritance mode, an automated score was calculated to assess if this variant is too frequent to cause the disease. Based on the score and internal cut-off values, a variant classified as likely benign is not then subjected to further curation. The score for this variant resulted in a classification of likely benign for this disease.